The following is an entry in ClinVar:

NM_001256470.2(PLEKHA5):c.1160T>C (p.Val387Ala)

Gene: PLEKHA5 (pleckstrin homology domain containing A5; plus strand). Cytogenetic location: 12p12.3.
Variant type: single nucleotide variant.
Coding change: c.1160T>C on transcript NM_001256470.2 (MANE Select); coding-DNA position 1160, T replaced by C.
Protein change: p.Val387Ala; replaces valine 387 with alanine.
Molecular consequence: missense variant. On other transcripts: non-coding transcript variant (6).
Genome position (GRCh38, 1-based): chr12:19,274,830, T>C. VCF-style: chr12-19274830-T-C. GRCh37 (hg19) VCF-style: chr12-19427764-T-C.
Other names: c.1142T>C, p.Val381Ala (NM_001385938.1, NM_001385943.1, NM_001385946.1 and 11 more transcripts); c.836T>C, p.Val279Ala (NM_001385939.1, NM_001385942.1, NM_001385933.1); c.818T>C, p.Val273Ala (NM_001385940.1, NM_001385941.1, NM_001385944.1 and 25 more transcripts); c.713T>C, p.Val238Ala (NM_001385963.1); c.671T>C, p.Val224Ala (NM_001385965.1); c.1160T>C, p.Val387Ala (NM_001385924.1, NM_001385926.1, NM_001385927.1 and 4 more transcripts); short protein forms V224A, V238A, V273A, V279A, V381A, V387A.
Identifiers: ClinVar variation 3057185 (VCV003057185.2), dbSNP rs76626801, ClinGen allele CA6472224.

ClinVar aggregate classification (germline): Benign (0 of 4 stars; one submission).

Conditions:
PLEKHA5-related disorder. Also called: PLEKHA5-related condition.

Allele frequency attached by ClinVar (database versions not stated): ESP Exome Variant Server 0.00661; gnomAD 0.00993; 1000 Genomes Project 0.02696; 1000 Genomes Project 30x 0.02467; ExAC 0.01603; TOPMed 0.01007.
gnomAD v4.1: 16,897 of 1,614,174 alleles (1%); highest among the groups gnomAD compares: East Asian, 4.1%; 198 homozygotes.

Submission:

PreventionGenetics, part of Exact Sciences
Classification: Benign for PLEKHA5-related condition. Last evaluated: 2019-02-19. Review status: no assertion criteria provided. Collection method: clinical testing. Allele origin: germline.
Comment: This variant is classified as benign based on ACMG/AMP sequence variant interpretation guidelines (Richards et al. 2015 PMID: 25741868, with internal and published modifications).